The following is an entry in ClinVar:

NM_001846.4(COL4A2):c.1616G>A (p.Gly539Asp)

Genes: COL4A2 (collagen type IV alpha 2 chain; plus strand), COL4A2-AS2 (COL4A2 antisense RNA 2; minus strand). Cytogenetic location: 13q34.
Variant type: single nucleotide variant.
Coding change: c.1616G>A on transcript NM_001846.4 (MANE Select); coding-DNA position 1616, G replaced by A.
Protein change: p.Gly539Asp; replaces glycine 539 with aspartic acid.
Molecular consequence: missense variant.
Genome position (GRCh38, 1-based): chr13:110,462,133, G>A. VCF-style: chr13-110462133-G-A. GRCh37 (hg19) VCF-style: chr13-111114480-G-A.
Other names: short protein forms G539D.
Identifiers: ClinVar variation 4990337 (VCV004990337.1).
Genomic context (GRCh38, chr13:110,462,133, plus strand): 5'-AGTACAAAGAAGGAAGATATTTTTTTGTCTGTTTTCCACAGGGAGTGCCTGGCAACATTG[G>A]TGCTCCCGGACCCAAAGGAGCAAAAGGAGATTCCAGAACAATCACAACCAAAGGTGAGTT-3'
Protein context (NP_001837.2, residues 529-549): PGLKGVPGNI[Gly539Asp]APGPKGAKGD

ClinVar aggregate classification (germline): Likely pathogenic (1 of 4 stars; one submission).

Conditions:
COL4A2-related disorder. Also called: COL4A2-related disorders; COL4A2-related condition.

Submission:

PreventionGenetics, part of Exact Sciences
Classification: Likely pathogenic for COL4A2-related condition. Last evaluated: 2026-03-11. Review status: criteria provided, single submitter. Criteria: ACMG Guidelines, 2015. Collection method: clinical testing. Allele origin: germline.
Comment: The COL4A2 c.1616G>A variant is predicted to result in the amino acid substitution p.Gly539Asp. To our knowledge, this variant has not been reported in the literature or in a large population database (gnomAD), indicating this variant is rare. This variant results in a glycine substitution in the collagen triple helical region (Gly-X-Y) of the COL4A2 protein and glycine substitutions in this region have been documented to be pathogenic (Fidler et al. 2018. PubMed ID: 29632050). The other glycine substitution variant in triple helical region of the same exon (p.Gly533Ala) was reported in a patient with polymicrogyria and hemiparesis (Akula et al. 2023. PubMed ID: 37486637). Taken together, this variant is interpreted as likely pathogenic.